The following is an entry in ClinVar:

NM_001134407.3(GRIN2A):c.*5776A>T

Gene: GRIN2A (glutamate ionotropic receptor NMDA type subunit 2A; minus strand). Cytogenetic location: 16p13.2.
Variant type: single nucleotide variant.
Coding change: c.*5776A>T on transcript NM_001134407.3 (MANE Select); 5776 bases downstream of the stop codon, A replaced by T.
Molecular consequence: 3 prime UTR variant.
Genome position (GRCh38, 1-based): chr16:9,757,373, T>A on the plus strand (A>T on the coding strand, the complement: GRIN2A is on the minus strand). VCF-style: chr16-9757373-T-A. GRCh37 (hg19) VCF-style: chr16-9851230-T-A.
Other names: c.*5776A>T (NM_000833.5); c.*5982A>T (NM_001134408.2).
Identifiers: ClinVar variation 321522 (VCV000321522.6), dbSNP rs78296872, ClinGen allele CA10648468.

ClinVar aggregate classification (germline): Benign. Review status: criteria provided, multiple submitters, no conflicts (2 of 4 stars). 2 submissions from 2 submitters: Benign (2). Last evaluated 2018-01-12.

Conditions:
Landau-Kleffner syndrome (FESD). Also called: EPILEPSY, FOCAL, WITH SPEECH DISORDER AND WITH OR WITHOUT MENTAL RETARDATION; APHASIA, ACQUIRED, WITH EPILEPSY. Identifiers: Orphanet 1945, Orphanet 725, Orphanet 98818, MedGen C0282512, MONDO:0009509, OMIM 245570.

Allele frequency attached by ClinVar (database versions not stated): 1000 Genomes Project 0.04173; gnomAD 0.01461 and 0.01591; 1000 Genomes Project 30x 0.03357; TOPMed 0.01781; gnomAD exomes 0.03256.
gnomAD v4.1: 4,550 of 217,060 alleles (2.1%); highest among the groups gnomAD compares: East Asian, 14%; 153 homozygotes.

Submissions (2):

Illumina Laboratory Services, Illumina
Classification: Benign for Landau-Kleffner syndrome. Last evaluated: 2018-01-12. Review status: criteria provided, single submitter. Criteria: ICSL Variant Classification Criteria 13 December 2019. Collection method: clinical testing. Allele origin: germline.
Comment: This variant was observed in the ICSL laboratory as part of a predisposition screen in an ostensibly healthy population. It had not been previously curated by ICSL or reported in the Human Gene Mutation Database (HGMD: prior to June 1st, 2018), and was therefore a candidate for classification through an automated scoring system. Utilizing variant allele frequency, disease prevalence and penetrance estimates, and inheritance mode, an automated score was calculated to assess if this variant is too frequent to cause the disease. Based on the score and internal cut-off values, a variant classified as benign is not then subjected to further curation. The score for this variant resulted in a classification of benign for this disease.

Breakthrough Genomics
Classification: Benign. Review status: criteria provided, single submitter. Criteria: ACMG Guidelines, 2015. Collection method: not provided. Allele origin: germline. Inheritance: Autosomal dominant inheritance. Affected: yes.